The following is an entry in ClinVar:

ClinVar aggregate classification (germline): Uncertain significance. Review status: criteria provided, multiple submitters, no conflicts (2 of 4 stars). 2 submissions from 2 submitters: Uncertain significance (2). Last evaluated 2026-01-18.

Conditions:
ITGA2B-related disorder. Also called: ITGA2B-related disorders; ITGA2B-related condition.
Glanzmann thrombasthenia. Also called: Glanzmann's thrombasthenia; THROMBASTHENIA OF GLANZMANN AND NAEGELI; PLATELET GLYCOPROTEIN IIb-IIIa DEFICIENCY; Thrombasthenia. Identifiers: Orphanet 849, MedGen C0040015, MONDO:0100326.

gnomAD v4.1: 5 of 1,614,052 alleles (0.00031%); highest among the groups gnomAD compares: African/African-American, 0.0067%; no homozygotes.

Submissions (2):

Labcorp Genetics (formerly Invitae), Labcorp
Classification: Uncertain significance for Glanzmann thrombasthenia. Last evaluated: 2026-01-18. Review status: criteria provided, single submitter. Criteria: Invitae Variant Classification Sherloc (09022015). Collection method: clinical testing. Allele origin: germline.
Comment: This sequence change replaces serine, which is neutral and polar, with asparagine, which is neutral and polar, at codon 237 of the ITGA2B protein (p.Ser237Asn). This variant is present in population databases (rs760721457, gnomAD 0.008%). This variant has not been reported in the literature in individuals affected with ITGA2B-related conditions. An algorithm developed to predict the effect of missense changes on protein structure and function outputs the following: PolyPhen-2: "Benign". The asparagine amino acid residue is found in multiple mammalian species, which suggests that this missense change does not adversely affect protein function. In summary, the available evidence is currently insufficient to determine the role of this variant in disease. Therefore, it has been classified as a Variant of Uncertain Significance.

PreventionGenetics, part of Exact Sciences
Classification: Uncertain significance for ITGA2B-related condition. Last evaluated: 2025-03-28. Review status: criteria provided, single submitter. Criteria: ACMG Guidelines, 2015. Collection method: clinical testing. Allele origin: germline.
Comment: The ITGA2B c.710G>A variant is predicted to result in the amino acid substitution p.Ser237Asn. To our knowledge, this variant has not been reported in the literature. This variant is reported in 0.0080% of alleles in individuals of African descent in gnomAD. At this time, the clinical significance of this variant is uncertain due to the absence of conclusive functional and genetic evidence.

NM_000419.5(ITGA2B):c.710G>A (p.Ser237Asn)

Gene: ITGA2B (integrin subunit alpha 2b; minus strand). Cytogenetic location: 17q21.31.
Variant type: single nucleotide variant.
Coding change: c.710G>A on transcript NM_000419.5 (MANE Select); coding-DNA position 710, G replaced by A.
Protein change: p.Ser237Asn; replaces serine 237 with asparagine.
Molecular consequence: missense variant.
Genome position (GRCh38, 1-based): chr17:44,385,037, C>T on the plus strand (G>A on the coding strand, the complement: ITGA2B is on the minus strand). VCF-style: chr17-44385037-C-T. GRCh37 (hg19) VCF-style: chr17-42462405-C-T.
Other names: c.710G>A (NM_000419.4); short protein forms S237N.
Identifiers: ClinVar variation 4747618 (VCV004747618.2).
Genomic context (GRCh38, chr17:44,385,037, plus strand): 5'-CTGGAGTCAAAGGAGAGGCTCTGGGAGGACACGTGCCACAAAAGGATGCCTGGGCGGTAA[C>T]TCGAGAAAATATCCGCAACTGGAGCCTGGGCCAGGAGACCTAGGGCGGGAGGGACAGCGG-3'
Protein context (NP_000410.2, residues 227-247): AQAPVADIFS[Ser237Asn]YRPGILLWHV